The following is an entry in ClinVar:

ClinVar aggregate classification (germline): Uncertain significance. Review status: criteria provided, single submitter (1 of 4 stars). 2 submissions from 1 submitter: Uncertain significance (2). Last evaluated 2023-02-27.

Conditions:
X-linked recessive nephrolithiasis with renal failure (XRN). Also called: NEPHROLITHIASIS 1; NEPHROLITHIASIS, X-LINKED RECESSIVE, TYPE 1; UROLITHIASIS, X-LINKED RECESSIVE, TYPE 1. Identifiers: Orphanet 1652, Orphanet 93622, MedGen C0403720, MONDO:0010687, OMIM 310468.
Dent disease type 1 (DENT1). Also called: NEPHROLITHIASIS 2; NEPHROLITHIASIS, HYPERCALCIURIC, X-LINKED. Identifiers: Orphanet 1652, Orphanet 93622, MedGen C1848336, MONDO:0010225, OMIM 300009.

Submissions (2):

Johns Hopkins Genomics, Johns Hopkins University
Classification: Uncertain significance for X-linked recessive nephrolithiasis with renal failure. Last evaluated: 2023-02-27. Review status: criteria provided, single submitter. Criteria: ACMG Guidelines, 2015. Collection method: clinical testing. Allele origin: germline.
Comment: This CLCN5 missense variant is absent from a large population dataset and has not been reported in ClinVar nor the literature, to our knowledge. Two bioinformatic tools queried predict that this substitution would be damaging, and the tryptophan residue at this position is evolutionarily conserved across all of the species assessed. We consider the clinical significance of c.1495T>C; p.Trp499Arg in CLCN5 to be uncertain at this time.

Johns Hopkins Genomics, Johns Hopkins University
Classification: Uncertain significance for Dent disease type 1. Last evaluated: 2023-02-27. Review status: criteria provided, single submitter. Criteria: ACMG Guidelines, 2015. Collection method: clinical testing. Allele origin: germline.
Comment: the same text as in the submission from Johns Hopkins Genomics, Johns Hopkins University above.

NM_001127898.4(CLCN5):c.1495T>C (p.Trp499Arg)

Gene: CLCN5 (Cl-/H+ antiporter 5; plus strand). Cytogenetic location: Xp11.23.
Variant type: single nucleotide variant.
Coding change: c.1495T>C on transcript NM_001127898.4 (MANE Select); coding-DNA position 1495, T replaced by C.
Protein change: p.Trp499Arg; replaces tryptophan 499 with arginine.
Molecular consequence: missense variant.
Genome position (GRCh38, 1-based): chrX:50,086,808, T>C. VCF-style: chrX-50086808-T-C. GRCh37 (hg19) VCF-style: chrX-49851465-T-C.
Other names: c.1285T>C, p.Trp429Arg (NM_000084.5); c.1495T>C, p.Trp499Arg (NM_001127899.4); c.1345T>C, p.Trp449Arg (NM_001282163.2); short protein forms W429R, W449R, W499R.
Identifiers: ClinVar variation 2443050 (VCV002443050.1), dbSNP rs2519435282, ClinGen allele CA413186395.